The following is an entry in ClinVar:

ClinVar aggregate classification (germline): Likely benign. Review status: criteria provided, multiple submitters, no conflicts (2 of 4 stars). 2 submissions from 2 submitters: Likely benign (2). Last evaluated 2018-06-19.

Allele frequency attached by ClinVar (database versions not stated): 1000 Genomes Project 30x 0.00583; 1000 Genomes Project 0.00636; TOPMed 0.01074; gnomAD 0.01098 and 0.01099; gnomAD exomes 0.01394.
gnomAD v4.1: 6,271 of 477,148 alleles (1.3%); highest among the groups gnomAD compares: Non-Finnish European, 1.8%; 40 homozygotes.

Submissions (2):

GeneDx
Classification: Likely benign. Last evaluated: 2018-06-19. Review status: criteria provided, single submitter. Criteria: GeneDx Variant Classification (06012015). Collection method: clinical testing. Allele origin: germline. Affected: yes.
Comment: This variant is considered likely benign or benign based on one or more of the following criteria: it is a conservative change, it occurs at a poorly conserved position in the protein, it is predicted to be benign by multiple in silico algorithms, and/or has population frequency not consistent with disease.

Breakthrough Genomics
Classification: Likely benign. Review status: criteria provided, single submitter. Criteria: ACMG Guidelines, 2015. Collection method: not provided. Allele origin: germline. Inheritance: X-linked inheritance. Affected: yes.

NM_000284.4(PDHA1):c.510+187C>T

Gene: PDHA1 (pyruvate dehydrogenase E1 subunit alpha 1; plus strand). Cytogenetic location: Xp22.12.
Variant type: single nucleotide variant.
Coding change: c.510+187C>T on transcript NM_000284.4 (MANE Select); 187 bases into the intron after coding-DNA position 510, C replaced by T.
Molecular consequence: intron variant.
Genome position (GRCh38, 1-based): chrX:19,353,360, C>T. VCF-style: chrX-19353360-C-T. GRCh37 (hg19) VCF-style: chrX-19371478-C-T.
Other names: c.624+187C>T (NM_001173454.2); c.531+187C>T (NM_001173455.2); c.510+187C>T (NM_001173456.2).
Identifiers: ClinVar variation 674172 (VCV000674172.2), dbSNP rs139638187, ClinGen allele CA327025629.